The following is an entry in ClinVar:

ClinVar aggregate classification (germline): Pathogenic (1 of 4 stars; one submission).

Conditions:
Fabry disease. Also called: ALPHA-GALACTOSIDASE A DEFICIENCY; ANDERSON-FABRY DISEASE; CERAMIDE TRIHEXOSIDASE DEFICIENCY; GLA DEFICIENCY; HEREDITARY DYSTOPIC LIPIDOSIS; Angiokeratoma corporis diffusum. Identifiers: Orphanet 324, MedGen C0002986, MONDO:0010526, OMIM 301500, HP:0001071. Disease mechanism: Fabry disease is due to inactivating mutations in the X-linked GLA gene resulting in deficiency of the enzyme Alpha Galactosidase-A., loss of function.

Submission:

Genomenon, Inc
Classification: Pathogenic for Fabry disease. Last evaluated: 2026-09-08. Review status: criteria provided, single submitter. Criteria: Genomenon Sequence Variant Interpretation Standards - Updated. Collection method: curation. Allele origin: germline. Affected: yes.
Comment: GLA p.Val137LeufsTer28 (c.409del) is a frameshift variant that is predicted to introduce a premature termination codon and result in a truncated or absent protein product. This variant has been observed in at least one proband with clinical features consistent with Fabry disease (PMID:32843101;24236025). The variant was found to segregate with disease in at least one affected family (PMID:32843101). Functional or patient cell studies have been reported (PMID:32843101;24236025). It is absent or not present at a significant frequency in gnomAD. In conclusion, we classify GLA p.Val137LeufsTer28 (c.409del) as a pathogenic variant.

Literature cited by the submitters: PubMed 32843101; PubMed 24236025.

NM_000169.3(GLA):c.409del (p.Val137fs)

Genes: GLA (galactosidase alpha; minus strand), RPL36A-HNRNPH2 (RPL36A-HNRNPH2 readthrough; plus strand). Cytogenetic location: Xq22.1.
Variant type: Deletion.
Coding change: c.409del on transcript NM_000169.3 (MANE Select); coding-DNA position 409, one base deleted (G; older notation c.409delG).
Protein change: p.Val137fs; shifts the reading frame from valine 137.
Molecular consequence: frameshift variant. On other transcripts: non-coding transcript variant (3), intron variant (2).
Genome position (GRCh38, 1-based): chrX:101,401,770, C deleted on the plus strand (G on the coding strand, the reverse complement: GLA is on the minus strand). VCF-style (leftmost placement, unchanged base first): chrX-101401769-AC-A. GRCh37 (hg19) VCF-style: chrX-100656757-AC-A.
Other names: c.532del, p.Val178fs (NM_001406747.1, NM_001406749.1); c.409del, p.Val137fs (NM_001406748.1); c.300+6313del (NM_001199973.2); c.177+9948del (NM_001199974.2); short protein forms V137fs, V178fs.
Identifiers: ClinVar variation 4086956 (VCV004086956.2).
Genomic context (GRCh38, chrX:101,401,769, plus strand): 5'-TGGGCATCAATGTCGTAGTATCCAAAACTCCCAGGGAAGCCTGCGCAGGTTTTATTTCCA[AC>A]ATCTGCATAAATCCCTAGCTTCAGTCCTTTGCTGTGAACCTGAAATGAGAGGGAGGAAAA-3'